The following is an entry in ClinVar:

ClinVar aggregate classification (germline): Uncertain significance (1 of 4 stars; one submission).

Submission:

GeneDx
Classification: Uncertain significance. Last evaluated: 2024-04-28. Review status: criteria provided, single submitter. Criteria: GeneDx Variant Classification Process June 2021. Collection method: clinical testing. Allele origin: germline. Affected: yes.
Comment: Not observed at significant frequency in large population cohorts (gnomAD); In silico analysis indicates that this missense variant does not alter protein structure/function; Has not been previously published as pathogenic or benign to our knowledge

NM_002971.6(SATB1):c.679A>G (p.Asn227Asp)

Gene: SATB1 (SATB homeobox 1; minus strand). Cytogenetic location: 3p24.3.
Variant type: single nucleotide variant.
Coding change: c.679A>G on transcript NM_002971.6 (MANE Select); coding-DNA position 679, A replaced by G.
Protein change: p.Asn227Asp; replaces asparagine 227 with aspartic acid.
Molecular consequence: missense variant.
Genome position (GRCh38, 1-based): chr3:18,397,251, T>C on the plus strand (A>G on the coding strand, the complement: SATB1 is on the minus strand). VCF-style: chr3-18397251-T-C. GRCh37 (hg19) VCF-style: chr3-18438743-T-C.
Other names: c.679A>G, p.Asn227Asp (NM_001131010.4, NM_001195470.3, NM_001322871.2 and 4 more transcripts); c.463A>G, p.Asn155Asp (NM_001322876.2); short protein forms N155D, N227D.
Identifiers: ClinVar variation 2442580 (VCV002442580.3), dbSNP rs2470676201, ClinGen allele CA351857634.